The following is an entry in ClinVar:

ClinVar aggregate classification (germline): Likely pathogenic (1 of 4 stars; one submission).

Submission:

Labcorp Genetics (formerly Invitae), Labcorp
Classification: Likely pathogenic. Last evaluated: 2021-03-14. Review status: criteria provided, single submitter. Criteria: Invitae Variant Classification Sherloc (09022015). Collection method: clinical testing. Allele origin: germline.
Comment: This variant is not present in population databases (ExAC no frequency). In summary, the currently available evidence indicates that the variant is pathogenic, but additional data are needed to prove that conclusively. Therefore, this variant has been classified as Likely Pathogenic. This variant disrupts the triple helix domain of COL4A5. Glycine residues within the Gly-Xaa-Yaa repeats of the triple helix domain are required for the structure and stability of fibrillar collagens (PMID: 7695699, 8218237, 19344236). In COL4A5, missense variants at these glycine residues are significantly enriched in individuals with disease (PMID: 23720012, 27627812) compared to the general population (ExAC). Advanced modeling of protein sequence and biophysical properties (such as structural, functional, and spatial information, amino acid conservation, physicochemical variation, residue mobility, and thermodynamic stability) performed at Invitae indicates that this missense variant is expected to disrupt COL4A5 protein function. This variant has not been reported in the literature in individuals with COL4A5-related conditions. This sequence change replaces glycine with aspartic acid at codon 105 of the COL4A5 protein (p.Gly105Asp). The glycine residue is highly conserved and there is a moderate physicochemical difference between glycine and aspartic acid.

Literature cited by the submitters: PubMed 7695699; PubMed 8218237; PubMed 19344236; PubMed 23720012; PubMed 27627812.

NM_033380.3(COL4A5):c.314G>A (p.Gly105Asp)

Gene: COL4A5 (collagen type IV alpha 5 chain; plus strand). Cytogenetic location: Xq22.3.
Variant type: single nucleotide variant.
Coding change: c.314G>A on transcript NM_033380.3 (MANE Select); coding-DNA position 314, G replaced by A.
Protein change: p.Gly105Asp; replaces glycine 105 with aspartic acid.
Molecular consequence: missense variant.
Genome position (GRCh38, 1-based): chrX:108,568,666, G>A. VCF-style: chrX-108568666-G-A. GRCh37 (hg19) VCF-style: chrX-107811896-G-A.
Other names: c.314G>A, p.Gly105Asp (NM_000495.5); short protein forms G105D.
Identifiers: ClinVar variation 1472489 (VCV001472489.8), dbSNP rs1569488381, ClinGen allele CA413917958.